The following is an entry in ClinVar:

ClinVar aggregate classification (germline): Uncertain significance (1 of 4 stars; one submission).

Conditions:
Carnitine palmitoyltransferase II deficiency. Also called: Carnitine Palmitoyltransferase 2 Deficiency. Identifiers: Orphanet 157, MedGen C0342790, MONDO:0015515.

Allele frequency attached by ClinVar (database versions not stated): gnomAD 0.00001.
gnomAD v4.1: 18 of 1,536,366 alleles (0.0012%); highest among the groups gnomAD compares: Admixed American, 0.002%; no homozygotes.

Submission:

Labcorp Genetics (formerly Invitae), Labcorp
Classification: Uncertain significance for Carnitine palmitoyltransferase II deficiency. Last evaluated: 2021-08-28. Review status: criteria provided, single submitter. Criteria: Invitae Variant Classification Sherloc (09022015). Collection method: clinical testing. Allele origin: germline.
Comment: This sequence change replaces glycine with arginine at codon 30 of the CPT2 protein (p.Gly30Arg). The glycine residue is weakly conserved and there is a moderate physicochemical difference between glycine and arginine. The frequency data for this variant in the population databases is considered unreliable, as metrics indicate insufficient coverage at this position in the ExAC database. This variant has not been reported in the literature in individuals affected with CPT2-related conditions. Advanced modeling of protein sequence and biophysical properties (such as structural, functional, and spatial information, amino acid conservation, physicochemical variation, residue mobility, and thermodynamic stability) performed at Invitae indicates that this missense variant is not expected to disrupt CPT2 protein function. In summary, the available evidence is currently insufficient to determine the role of this variant in disease. Therefore, it has been classified as a Variant of Uncertain Significance.

NM_000098.3(CPT2):c.88G>C (p.Gly30Arg)

Genes: CPT2 (carnitine palmitoyltransferase 2; plus strand), LOC129930561 (ATAC-STARR-seq lymphoblastoid silent region 902; plus strand). Cytogenetic location: 1p32.3.
Variant type: single nucleotide variant.
Coding change: c.88G>C on transcript NM_000098.3 (MANE Select); coding-DNA position 88, G replaced by C.
Protein change: p.Gly30Arg; replaces glycine 30 with arginine.
Molecular consequence: missense variant.
Genome position (GRCh38, 1-based): chr1:53,197,031, G>C. VCF-style: chr1-53197031-G-C. GRCh37 (hg19) VCF-style: chr1-53662703-G-C.
Other names: c.88G>C, p.Gly30Arg (NM_001330589.2); short protein forms G30R.
Identifiers: ClinVar variation 1905988 (VCV001905988.2), dbSNP rs937940197, ClinGen allele CA22626419.